The following is an entry in ClinVar:

NM_001029896.2(WDR45):c.827+5G>A

Gene: WDR45 (WD repeat domain 45; minus strand). Cytogenetic location: Xp11.23.
Variant type: single nucleotide variant.
Coding change: c.827+5G>A on transcript NM_001029896.2 (MANE Select); 5 bases into the intron after coding-DNA position 827, G replaced by A.
Molecular consequence: intron variant.
Genome position (GRCh38, 1-based): chrX:49,075,359, C>T on the plus strand (G>A on the coding strand, the complement: WDR45 is on the minus strand). VCF-style: chrX-49075359-C-T. GRCh37 (hg19) VCF-style: chrX-48933018-C-T.
Other names: c.830+5G>A (NM_007075.4).
Identifiers: ClinVar variation 373185 (VCV000373185.1), dbSNP rs1557083956, ClinGen allele CA16043325.

ClinVar aggregate classification (germline): Likely pathogenic (1 of 4 stars; one submission).

Submission:

GeneDx
Classification: Likely pathogenic. Last evaluated: 2016-11-11. Review status: criteria provided, single submitter. Criteria: GeneDx Variant Classification (06012015). Collection method: clinical testing. Allele origin: germline. Affected: yes.
Comment: A novel c.830+5 G>A variant that is likely pathogenic has been identified in the WDR45 gene. The c.830+5 G>A variant has not been published as a pathogenic variant, nor has it been reported as a benign variant to our knowledge. It was not observed in approximately 6,500 individuals of European and African American ancestry in the NHLBI Exome Sequencing Project, indicating it is not a common benign variant in these populations. Several in-silico splice prediction models predict that c.830+5 G>A may destroy the natural donor site and lead to abnormal gene splicing. However, in the absence of RNA/functional studies, the actual effect of this sequence change in this individual is unknown. Therefore, this variant is likely pathogenic; however, the possibility that it is benign cannot be excluded.